The following is an entry in ClinVar:

NM_001098426.2(SMARCD2):c.215A>C (p.Gln72Pro)

Genes: SMARCD2 (SWI/SNF related BAF chromatin remodeling complex subunit D2; minus strand), LOC130061409 (ATAC-STARR-seq lymphoblastoid silent region 8832; plus strand). Cytogenetic location: 17q23.3.
Variant type: single nucleotide variant.
Coding change: c.215A>C on transcript NM_001098426.2 (MANE Select); coding-DNA position 215, A replaced by C.
Protein change: p.Gln72Pro; replaces glutamine 72 with proline.
Molecular consequence: missense variant. On other transcripts: 5 prime UTR variant (1).
Genome position (GRCh38, 1-based): chr17:63,842,460, T>G on the plus strand (A>C on the coding strand, the complement: SMARCD2 is on the minus strand). VCF-style: chr17-63842460-T-G. GRCh37 (hg19) VCF-style: chr17-61919820-T-G.
Other names: c.-89A>C (NM_001330439.1); short protein forms Q72P.
Identifiers: ClinVar variation 2707518 (VCV002707518.3), dbSNP rs1904507342, ClinGen allele CA400601989.
Genomic context (GRCh38, chr17:63,842,460, plus strand): 5'-CGGCCCGGGCGCCCTCGCAGCGCCTCTCGCCCCCGTCCGCTCGCGTCCTCCTTGCTCACC[T>G]GGTACTGCGCCGCGGGGCCCGCGGGGCCCATGGGGCGGAAGGCGGCGGCCCCGGGGCCCC-3'
Protein context (NP_001091896.1, residues 62-82): MGPAGPAAQY[Gln72Pro]RPGMSPGNRM

ClinVar aggregate classification (germline): Uncertain significance (1 of 4 stars; one submission).

Submission:

Labcorp Genetics (formerly Invitae), Labcorp
Classification: Uncertain significance. Last evaluated: 2024-01-04. Review status: criteria provided, single submitter. Criteria: Invitae Variant Classification Sherloc (09022015). Collection method: clinical testing. Allele origin: germline.
Comment: This sequence change replaces glutamine, which is neutral and polar, with proline, which is neutral and non-polar, at codon 72 of the SMARCD2 protein (p.Gln72Pro). This variant is not present in population databases (gnomAD no frequency). This variant has not been reported in the literature in individuals affected with SMARCD2-related conditions. An algorithm developed to predict the effect of missense changes on protein structure and function (PolyPhen-2) suggests that this variant is likely to be tolerated. Algorithms developed to predict the effect of sequence changes on RNA splicing suggest that this variant may create or strengthen a splice site. In summary, the available evidence is currently insufficient to determine the role of this variant in disease. Therefore, it has been classified as a Variant of Uncertain Significance.